The following is an entry in ClinVar:

NM_001261826.3(AP3D1):c.3029C>A (p.Thr1010Asn)

Gene: AP3D1 (adaptor related protein complex 3 subunit delta 1; minus strand). Cytogenetic location: 19p13.3.
Variant type: single nucleotide variant.
Coding change: c.3029C>A on transcript NM_001261826.3 (MANE Select); coding-DNA position 3029, C replaced by A.
Protein change: p.Thr1010Asn; replaces threonine 1010 with asparagine.
Molecular consequence: missense variant.
Genome position (GRCh38, 1-based): chr19:2,110,853, G>T on the plus strand (C>A on the coding strand, the complement: AP3D1 is on the minus strand). VCF-style: chr19-2110853-G-T. GRCh37 (hg19) VCF-style: chr19-2110852-G-T.
Other names: c.2993C>A, p.Thr998Asn (NM_001374799.1); c.2843C>A, p.Thr948Asn (NM_003938.8); short protein forms T948N, T998N, T1010N.
Identifiers: ClinVar variation 1978245 (VCV001978245.4), dbSNP rs1215617257, ClinGen allele CA403203083.

ClinVar aggregate classification (germline): Uncertain significance (1 of 4 stars; one submission).

Allele frequency attached by ClinVar (database versions not stated): TOPMed below 0.00001; gnomAD 0.00001; gnomAD exomes 0.00001.
gnomAD v4.1: 8 of 1,613,444 alleles (0.0005%); highest among the groups gnomAD compares: Non-Finnish European, 0.00068%; no homozygotes.

Submission:

Labcorp Genetics (formerly Invitae), Labcorp
Classification: Uncertain significance. Last evaluated: 2022-08-27. Review status: criteria provided, single submitter. Criteria: Invitae Variant Classification Sherloc (09022015). Collection method: clinical testing. Allele origin: germline.
Comment: In summary, the available evidence is currently insufficient to determine the role of this variant in disease. Therefore, it has been classified as a Variant of Uncertain Significance. Algorithms developed to predict the effect of missense changes on protein structure and function are either unavailable or do not agree on the potential impact of this missense change (SIFT: "Deleterious"; PolyPhen-2: "Benign"; Align-GVGD: "Class C0"). This variant has not been reported in the literature in individuals affected with AP3D1-related conditions. This variant is not present in population databases (gnomAD no frequency). This sequence change replaces threonine, which is neutral and polar, with asparagine, which is neutral and polar, at codon 1010 of the AP3D1 protein (p.Thr1010Asn).